The following is an entry in ClinVar:

ClinVar aggregate classification (germline): Uncertain significance (1 of 4 stars; one submission).

Submission:

GeneDx
Classification: Uncertain significance. Last evaluated: 2022-05-24. Review status: criteria provided, single submitter. Criteria: GeneDx Variant Classification Process June 2021. Collection method: clinical testing. Allele origin: germline. Affected: yes.
Comment: In silico analysis supports a deleterious effect on protein structure/function; Has not been previously published as pathogenic or benign to our knowledge

NM_001244008.2(KIF1A):c.2233_2235delinsTCT (p.Ala745Ser)

Gene: KIF1A (kinesin family member 1A; minus strand). Cytogenetic location: 2q37.3.
Variant type: Indel.
Coding change: c.2233_2235delinsTCT on transcript NM_001244008.2 (MANE Select); coding-DNA positions 2233 to 2235, GCC replaced by TCT.
Protein change: p.Ala745Ser; replaces alanine 745 with serine.
Molecular consequence: missense variant.
Genome position (GRCh38, 1-based): chr2:240,761,259-240,761,261, GGC replaced by AGA on the plus strand (GCC replaced by TCT on the coding strand, the reverse complement: KIF1A is on the minus strand). VCF-style: chr2-240761259-GGC-AGA. GRCh37 (hg19) VCF-style: chr2-241700676-GGC-AGA.
Other names: c.2233_2235delinsTCT, p.Ala745Ser (NM_001320705.2, NM_001330289.2, NM_001379638.1); c.2308_2310delinsTCT, p.Ala770Ser (NM_001330290.2, NM_001379631.1, NM_001379634.1 and 2 more transcripts); c.2206_2208delinsTCT, p.Ala736Ser (NM_001379632.1, NM_001379633.1, NM_001379636.1 and 10 more transcripts); c.2281_2283delinsTCT, p.Ala761Ser (NM_001379637.1, NM_001379648.1); short protein forms A736S, A745S, A761S, A770S.
Identifiers: ClinVar variation 1678684 (VCV001678684.3), dbSNP rs2125893984, ClinGen allele CA2573135618.